The following is an entry in ClinVar:

ClinVar aggregate classification (germline): Conflicting classifications of pathogenicity. Review status: criteria provided, conflicting classifications (1 of 4 stars). 2 submissions from 2 submitters: Uncertain significance (1); Likely benign (1). Last evaluated 2025-12-02.

Conditions:
Cardiovascular phenotype. Identifiers: MedGen CN230736.
Distal myopathy with posterior leg and anterior hand involvement. Also called: WILLIAMS DISTAL MYOPATHY. Identifiers: Orphanet 63273, MedGen C3279722, MONDO:0013550, OMIM 614065.
Myofibrillar myopathy 5. Also called: Filaminopathy (type); FILAMINOPATHY, AUTOSOMAL DOMINANT. Identifiers: Orphanet 171445, MedGen C1836050, MONDO:0012289, OMIM 609524.
Hypertrophic cardiomyopathy 26. Also called: Cardiomyopathy, familial hypertrophic, 26. Identifiers: Orphanet 75249, MedGen C4310749, MONDO:0014883, OMIM 617047.

Allele frequency attached by ClinVar (database versions not stated): gnomAD 0.00001; gnomAD exomes 0.00002; TOPMed 0.00002; ExAC 0.00003.
gnomAD v4.1: 31 of 1,613,830 alleles (0.0019%); highest among the groups gnomAD compares: South Asian, 0.015%; no homozygotes.

Submissions (2):

Ambry Genetics
Classification: Uncertain significance for Cardiovascular phenotype. Last evaluated: 2025-12-02. Review status: criteria provided, single submitter. Criteria: Ambry Variant Classification Scheme 2023. Collection method: clinical testing. Allele origin: germline.
Comment: The c.1435G>A (p.A479T) alteration is located in exon 9 (coding exon 9) of the FLNC gene. This alteration results from a G to A substitution at nucleotide position 1435, causing the alanine (A) at amino acid position 479 to be replaced by a threonine (T). Based on data from gnomAD, the A allele has an overall frequency of 0.004% (9/249244) total alleles studied. The highest observed frequency was 0.016% (5/30602) of South Asian alleles. Based on insufficient or conflicting evidence, the clinical significance of this alteration remains unclear.

Labcorp Genetics (formerly Invitae), Labcorp
Classification: Likely benign for Distal myopathy with posterior leg and anterior hand involvement; Myofibrillar myopathy 5; Hypertrophic cardiomyopathy 26. Last evaluated: 2025-09-13. Review status: criteria provided, single submitter. Criteria: Invitae Variant Classification Sherloc (09022015). Collection method: clinical testing. Allele origin: germline.

NM_001458.5(FLNC):c.1435G>A (p.Ala479Thr)

Gene: FLNC (filamin C; plus strand). Cytogenetic location: 7q32.1.
Variant type: single nucleotide variant.
Coding change: c.1435G>A on transcript NM_001458.5 (MANE Select); coding-DNA position 1435, G replaced by A.
Protein change: p.Ala479Thr; replaces alanine 479 with threonine.
Molecular consequence: missense variant.
Genome position (GRCh38, 1-based): chr7:128,840,046, G>A. VCF-style: chr7-128840046-G-A. GRCh37 (hg19) VCF-style: chr7-128480100-G-A.
Other names: c.1435G>A, p.Ala479Thr (NM_001127487.2); short protein forms A479T.
Identifiers: ClinVar variation 539393 (VCV000539393.9), dbSNP rs772697482, ClinGen allele CA4474348.